The following is an entry in ClinVar:

ClinVar aggregate classification (germline): Uncertain significance (1 of 4 stars; one submission).

gnomAD v4.1: 3 of 1,614,180 alleles (0.00019%); highest among the groups gnomAD compares: African/African-American, 0.004%; no homozygotes.

Submission:

Labcorp Genetics (formerly Invitae), Labcorp
Classification: Uncertain significance. Last evaluated: 2024-09-30. Review status: criteria provided, single submitter. Criteria: Invitae Variant Classification Sherloc (09022015). Collection method: clinical testing. Allele origin: germline.
Comment: This sequence change replaces aspartic acid, which is acidic and polar, with glycine, which is neutral and non-polar, at codon 49 of the DLX3 protein (p.Asp49Gly). This variant is not present in population databases (gnomAD no frequency). This variant has not been reported in the literature in individuals affected with DLX3-related conditions. Invitae Evidence Modeling of protein sequence and biophysical properties (such as structural, functional, and spatial information, amino acid conservation, physicochemical variation, residue mobility, and thermodynamic stability) indicates that this missense variant is not expected to disrupt DLX3 protein function with a negative predictive value of 80%. In summary, the available evidence is currently insufficient to determine the role of this variant in disease. Therefore, it has been classified as a Variant of Uncertain Significance.

NM_005220.3(DLX3):c.146A>G (p.Asp49Gly)

Gene: DLX3 (distal-less homeobox 3; minus strand). Cytogenetic location: 17q21.33.
Variant type: single nucleotide variant.
Coding change: c.146A>G on transcript NM_005220.3 (MANE Select); coding-DNA position 146, A replaced by G.
Protein change: p.Asp49Gly; replaces aspartic acid 49 with glycine.
Molecular consequence: missense variant.
Genome position (GRCh38, 1-based): chr17:49,994,853, T>C on the plus strand (A>G on the coding strand, the complement: DLX3 is on the minus strand). VCF-style: chr17-49994853-T-C. GRCh37 (hg19) VCF-style: chr17-48072217-T-C.
Other names: short protein forms D49G.
Identifiers: ClinVar variation 3605666 (VCV003605666.2).